The following is an entry in ClinVar:

ClinVar aggregate classification (germline): Pathogenic (1 of 4 stars; one submission).

Conditions:
Neuropathy, hereditary sensory and autonomic, type 2A (HSAN2A). Also called: MORVAN DISEASE; NEUROPATHY, CONGENITAL SENSORY; NEUROPATHY, HEREDITARY SENSORY RADICULAR, AUTOSOMAL RECESSIVE; NEUROPATHY, HEREDITARY SENSORY, TYPE IIA; NEUROPATHY, PROGRESSIVE SENSORY, OF CHILDREN; WNK1-Related HSAN2 (HSAN2A). Identifiers: Orphanet 970, MedGen C2752089, MONDO:0024309, OMIM 201300.
Pseudohypoaldosteronism type 2C (PHA2C). Also called: Pseudohypoaldosteronism Type IIC. Identifiers: Orphanet 757, Orphanet 88940, MedGen C1840391, MONDO:0013778, OMIM 614492.

Submission:

Labcorp Genetics (formerly Invitae), Labcorp
Classification: Pathogenic for Neuropathy, hereditary sensory and autonomic, type 2A; Pseudohypoaldosteronism type 2C. Last evaluated: 2022-07-12. Review status: criteria provided, single submitter. Criteria: Invitae Variant Classification Sherloc (09022015). Collection method: clinical testing. Allele origin: germline.
Comment: This sequence change creates a premature translational stop signal (p.Ser1273*) in the WNK1 gene. It is expected to result in an absent or disrupted protein product. Loss-of-function variants in WNK1 are known to be pathogenic (PMID: 22910560). This variant is not present in population databases (gnomAD no frequency). For these reasons, this variant has been classified as Pathogenic. Algorithms developed to predict the effect of sequence changes on RNA splicing suggest that this variant may create or strengthen a splice site. ClinVar contains an entry for this variant (Variation ID: 948173). This variant has not been reported in the literature in individuals affected with WNK1-related conditions.

Literature cited by the submitters: PubMed 22910560.

NM_018979.4(WNK1):c.2321_2322dup (p.Ser775Ter)

Gene: WNK1 (WNK lysine deficient protein kinase 1; plus strand). Cytogenetic location: 12p13.33.
Variant type: Duplication.
Coding change: c.2321_2322dup on transcript NM_018979.4 (MANE Select); coding-DNA positions 2321 to 2322, 2 bases duplicated (TG; older notation c.2321_2322dupTG).
Protein change: p.Ser775Ter; replaces serine 775 with a stop codon.
Molecular consequence: nonsense.
Genome position (GRCh38, 1-based): chr12:878,309-878,310, TG duplicated; duplicating any 2 consecutive bases within chr12:878,308-878,310 gives the same sequence; the c. name uses the placement nearest the transcript's 3' end. VCF-style (leftmost placement, unchanged base first): chr12-878307-A-AGT. GRCh37 (hg19) VCF-style: chr12-987473-A-AGT.
Other names: c.3560_3561dup, p.Ser1188Ter (NM_001184985.2); c.2318_2319dup, p.Ser774Ter (NM_014823.3); c.3815_3816dup, p.Ser1273Ter (NM_213655.5); short protein forms S775*, S1188*, S1273*, S774*.
Identifiers: ClinVar variation 948173 (VCV000948173.7), dbSNP rs1952807311, ClinGen allele CA1139662446.